The following is an entry in ClinVar:

ClinVar aggregate classification (germline): Pathogenic (1 of 4 stars; one submission).

Conditions:
Peroxisome biogenesis disorder. Identifiers: Orphanet 79189, MedGen C1832200, MONDO:0019234. Disease mechanism: loss of function.

Submission:

Myriad Genetics, Inc.
Classification: Pathogenic for Peroxisome biogenesis disorder. Last evaluated: 2023-09-27. Review status: criteria provided, single submitter. Criteria: Myriad Autosomal Dominant, Autosomal Recessive and X-Linked Classification Criteria (2023). Collection method: clinical testing. Allele origin: unknown.
Comment: NM_000466.2(PEX1):c.1930dupC(L644Pfs*20) is expected to be pathogenic in the context of peroxisome biogenesis disorder type 1. This variant is predicted to lead to an abnormal or absent protein product due to the creation of a premature termination codon in PEX1, a gene where loss-of-function variants are known to be pathogenic. Please note: this variant was assessed in the context of healthy population screening.

NM_000466.3(PEX1):c.1930dup (p.Leu644fs)

Gene: PEX1 (peroxisomal biogenesis factor 1; minus strand). Cytogenetic location: 7q21.2.
Variant type: Duplication.
Coding change: c.1930dup on transcript NM_000466.3 (MANE Select); coding-DNA position 1930, one base duplicated (C; older notation c.1930dupC).
Protein change: p.Leu644fs; shifts the reading frame from leucine 644.
Molecular consequence: frameshift variant. On other transcripts: intron variant (1).
Genome position (GRCh38, 1-based): chr7:92,504,873, G duplicated on the plus strand (C on the coding strand, the reverse complement: PEX1 is on the minus strand); the first of 3 consecutive G bases (chr7:92,504,873-92,504,875); duplicating any one gives the same sequence. VCF-style (leftmost placement, unchanged base first): chr7-92504872-A-AG. GRCh37 (hg19) VCF-style: chr7-92134186-A-AG.
Other names: c.1306dup, p.Leu436fs (NM_001282678.2); c.1900+1375dup (NM_001282677.2); short protein forms L436fs, L644fs.
Identifiers: ClinVar variation 5011774 (VCV005011774.1).